The following is an entry in ClinVar:

NM_001040716.2(PC):c.928G>A (p.Val310Met)

Gene: PC (pyruvate carboxylase; minus strand). Cytogenetic location: 11q13.2.
Variant type: single nucleotide variant.
Coding change: c.928G>A on transcript NM_001040716.2 (MANE Select); coding-DNA position 928, G replaced by A.
Protein change: p.Val310Met; replaces valine 310 with methionine.
Molecular consequence: missense variant.
Genome position (GRCh38, 1-based): chr11:66,868,940, C>T on the plus strand (G>A on the coding strand, the complement: PC is on the minus strand). VCF-style: chr11-66868940-C-T. GRCh37 (hg19) VCF-style: chr11-66636411-C-T.
Other names: c.928G>A (NM_001040716.1); c.928G>A, p.Val310Met (NM_000920.4, NM_022172.3); short protein forms V310M.
Identifiers: ClinVar variation 2403964 (VCV002403964.3), dbSNP rs145970773, ClinGen allele CA6132058.

ClinVar aggregate classification (germline): Uncertain significance. Review status: criteria provided, multiple submitters, no conflicts (2 of 4 stars). 2 submissions from 2 submitters: Uncertain significance (2). Last evaluated 2026-02-22.

Conditions:
Inborn genetic diseases. Identifiers: MedGen C0950123, MeSH D030342.
PC-related disorder. Also called: PC-related condition.

Allele frequency attached by ClinVar (database versions not stated): ExAC 0.00002; TOPMed 0.00003; gnomAD 0.00004; ESP Exome Variant Server 0.00008.

Submissions (2):

PreventionGenetics, part of Exact Sciences
Classification: Uncertain significance for PC-related condition. Last evaluated: 2026-02-22. Review status: criteria provided, single submitter. Criteria: ACMG Guidelines, 2015. Collection method: clinical testing. Allele origin: germline.
Comment: The PC c.928G>A variant is predicted to result in the amino acid substitution p.Val310Met. To our knowledge, this variant has not been reported in the literature. This variant is reported in 0.0085% of alleles in individuals of European (Non-Finnish) descent in gnomAD. At this time, the clinical significance of this variant is uncertain due to the absence of conclusive functional and genetic evidence.

Ambry Genetics
Classification: Uncertain significance for Inborn genetic diseases. Last evaluated: 2020-11-12. Review status: criteria provided, single submitter. Criteria: Ambry Variant Classification Scheme 2023. Collection method: clinical testing. Allele origin: germline.
Comment: The c.928G>A (p.V310M) alteration is located in exon 9 (coding exon 7) of the PC gene. This alteration results from a G to A substitution at nucleotide position 928, causing the valine (V) at amino acid position 310 to be replaced by a methionine (M). Based on data from the Genome Aggregation Database (gnomAD) database, the PC c.928G>A alteration was observed in 0.0042% (12/282,422) of total alleles studied, with a frequency of 0.0085% (11/128,854) in the European (non-Finnish) subpopulation. This amino acid position is highly conserved in available vertebrate species. The p.V310M alteration is predicted to be deleterious by in silico analysis. Based on insufficient or conflicting evidence, the clinical significance of this alteration remains unclear.